The following is an entry in ClinVar:

ClinVar aggregate classification (germline): Conflicting classifications of pathogenicity. Review status: criteria provided, conflicting classifications (1 of 4 stars). 5 submissions from 5 submitters: Uncertain significance (3); Likely benign (1). 1 of the submissions does not count toward it. Last evaluated 2026-02-13.

Conditions:
Cardiovascular phenotype. Identifiers: MedGen CN230736.
ZNF469-related disorder. Also called: ZNF469-related condition.

Allele frequency attached by ClinVar (database versions not stated): ExAC 0.00006; gnomAD exomes 0.00013 and 0.00021; 1000 Genomes Project 30x 0.00016; gnomAD 0.00059 and 0.00061; TOPMed 0.00061.
gnomAD v4.1: 268 of 1,550,358 alleles (0.017%); highest among the groups gnomAD compares: African/African-American, 0.21%; no homozygotes.

Submissions (5):

Women's Health and Genetics/Laboratory Corporation of America, LabCorp
Classification: Uncertain significance. Last evaluated: 2026-02-13. Review status: criteria provided, single submitter. Criteria: LabCorp Variant Classification Summary - May 2015. Collection method: clinical testing. Allele origin: germline.
Comment: Variant summary: ZNF469 c.6829G>A (p.Val2277Ile) results in a conservative amino acid change in the encoded protein sequence. Algorithms developed to predict the effect of missense changes on protein structure and function are either unavailable or do not agree on the potential impact of this missense change. The variant allele was found at a frequency of 0.00021 in 152346 control chromosomes. This frequency is not significantly higher than estimated for disease-causing variants in ZNF469, allowing no conclusion about variant significance. To our knowledge, no occurrence of c.6829G>A in individuals affected with ZNF469-related conditions and no experimental evidence demonstrating its impact on protein function have been reported. ClinVar contains an entry for this variant (Variation ID: 1427143). Based on the evidence outlined above, the variant was classified as uncertain significance.

Ambry Genetics
Classification: Likely benign for Cardiovascular phenotype. Last evaluated: 2023-03-15. Review status: criteria provided, single submitter. Criteria: Ambry Variant Classification Scheme 2023. Collection method: clinical testing. Allele origin: germline.

GeneDx
Classification: Uncertain significance. Last evaluated: 2022-08-11. Review status: criteria provided, single submitter. Criteria: GeneDx Variant Classification Process June 2021. Collection method: clinical testing. Allele origin: germline. Affected: yes.
Comment: In silico analysis supports that this missense variant does not alter protein structure/function; Has not been previously published as pathogenic or benign to our knowledge

Labcorp Genetics (formerly Invitae), Labcorp
Classification: Uncertain significance. Last evaluated: 2022-06-15. Review status: criteria provided, single submitter. Criteria: Invitae Variant Classification Sherloc (09022015). Collection method: clinical testing. Allele origin: germline.
Comment: This sequence change replaces valine, which is neutral and non-polar, with isoleucine, which is neutral and non-polar, at codon 2249 of the ZNF469 protein (p.Val2249Ile). This variant is present in population databases (rs760816769, gnomAD 0.2%). This variant has not been reported in the literature in individuals affected with ZNF469-related conditions. Algorithms developed to predict the effect of missense changes on protein structure and function output the following: SIFT: "Tolerated"; PolyPhen-2: "Benign"; Align-GVGD: "Class C0". The isoleucine amino acid residue is found in multiple mammalian species, which suggests that this missense change does not adversely affect protein function. In summary, the available evidence is currently insufficient to determine the role of this variant in disease. Therefore, it has been classified as a Variant of Uncertain Significance.

PreventionGenetics, part of Exact Sciences
Classification: Likely benign for ZNF469-related condition. Last evaluated: 2023-12-04. Review status: no assertion criteria provided. Collection method: clinical testing. Allele origin: germline. Not counted in ClinVar's aggregate classification.
Comment: This variant is classified as likely benign based on ACMG/AMP sequence variant interpretation guidelines (Richards et al. 2015 PMID: 25741868, with internal and published modifications).

NM_001367624.2(ZNF469):c.6829G>A (p.Val2277Ile)

Gene: ZNF469 (zinc finger protein 469; plus strand). Cytogenetic location: 16q24.2.
Variant type: single nucleotide variant.
Coding change: c.6829G>A on transcript NM_001367624.2 (MANE Select); coding-DNA position 6829, G replaced by A.
Protein change: p.Val2277Ile; replaces valine 2277 with isoleucine.
Molecular consequence: missense variant.
Genome position (GRCh38, 1-based): chr16:88,434,299, G>A. VCF-style: chr16-88434299-G-A. GRCh37 (hg19) VCF-style: chr16-88500707-G-A.
Other names: NM_001127464.1:c.6745G>A; NM_001127464.2:c.6745G>A; short protein forms V2277I.
Identifiers: ClinVar variation 1427143 (VCV001427143.11), dbSNP rs760816769, ClinGen allele CA8225187.